The following is an entry in ClinVar:

ClinVar aggregate classification (germline): Pathogenic (1 of 4 stars; one submission).

Conditions:
Primary ciliary dyskinesia. Also called: Ciliary dyskinesia. Identifiers: Orphanet 244, MedGen C0008780, MONDO:0016575, HP:0012265.

Submission:

Labcorp Genetics (formerly Invitae), Labcorp
Classification: Pathogenic for Primary ciliary dyskinesia. Last evaluated: 2020-02-29. Review status: criteria provided, single submitter. Criteria: Invitae Variant Classification Sherloc (09022015). Collection method: clinical testing. Allele origin: germline.
Comment: This sequence change creates a premature translational stop signal (p.Ala799Glyfs*19) in the DNAH8 gene. It is expected to result in an absent or disrupted protein product. This variant is not present in population databases (ExAC no frequency). This variant has not been reported in the literature in individuals with DNAH8-related conditions. Algorithms developed to predict the effect of sequence changes on RNA splicing suggest that this variant may disrupt the consensus splice site, but this prediction has not been confirmed by published transcriptional studies. Loss-of-function variants in DNAH8 are known to be pathogenic (PMID: 24307375). For these reasons, this variant has been classified as Pathogenic.

Literature cited by the submitters: PubMed 24307375.

NM_001206927.2(DNAH8):c.2395+1dup

Gene: DNAH8 (dynein axonemal heavy chain 8; plus strand). Cytogenetic location: 6p21.2.
Variant type: Duplication.
Coding change: c.2395+1dup on transcript NM_001206927.2 (MANE Select); the canonical splice donor site of the intron after coding-DNA position 2395, one base duplicated (G; older notation c.2395+1dupG).
Molecular consequence: splice donor variant.
Genome position (GRCh38, 1-based): chr6:38,783,140, G duplicated; the last of 2 consecutive G bases (chr6:38,783,139-38,783,140); duplicating either gives the same sequence. VCF-style (leftmost placement, unchanged base first): chr6-38783138-C-CG. GRCh37 (hg19) VCF-style: chr6-38750914-C-CG.
Other names: c.1744+1dup (NM_001371.4).
Identifiers: ClinVar variation 971828 (VCV000971828.8), dbSNP rs1768809177, ClinGen allele CA1139659500.
Genomic context (GRCh38, chr6:38,783,138, plus strand): 5'-GGTGGAATTCGAGGTGGTCTATCACACAGCCTGGATCAGAGAGATTTCACAGTTGCATTA[C>CG]GGTGTGTATAACACTGCCATGAGCCTACAAAGTAGGGATTAGGTGATTTTGAATGAGTTC-3'